The following is an entry in ClinVar:

NM_002485.5(NBN):c.596C>T (p.Pro199Leu)

Gene: NBN (nibrin; minus strand). Cytogenetic location: 8q21.3.
Variant type: single nucleotide variant.
Coding change: c.596C>T on transcript NM_002485.5 (MANE Select); coding-DNA position 596, C replaced by T.
Protein change: p.Pro199Leu; replaces proline 199 with leucine.
Molecular consequence: missense variant.
Genome position (GRCh38, 1-based): chr8:89,971,279, G>A on the plus strand (C>T on the coding strand, the complement: NBN is on the minus strand). VCF-style: chr8-89971279-G-A. GRCh37 (hg19) VCF-style: chr8-90983507-G-A.
Other names: c.350C>T, p.Pro117Leu (NM_001024688.3); short protein forms P199L, P117L.
Identifiers: ClinVar variation 2859890 (VCV002859890.3), dbSNP rs730881844, ClinGen allele CA371659318.
Genomic context (GRCh38, chr8:89,971,279, plus strand): 5'-TTTCTTTCCTGCCGTCCTGACAGATCAACATTTTTACTTCCAATAGATGGTTCATCAAGA[G>A]GTGGGTAAAAACTGTAAAAATAATTAAAGTATATTCTAATTATATACTACTATGTTTGCT-3'
Protein context (NP_002476.2, residues 189-209): QPPQIESFYP[Pro199Leu]LDEPSIGSKN

ClinVar aggregate classification (germline): Uncertain significance (1 of 4 stars; one submission).

Conditions:
Microcephaly, normal intelligence and immunodeficiency (NBS). Also called: Nijmegen breakage syndrome; Microcephaly with normal intelligence immunodeficiency and lymphoreticular malignancies; Nonsyndromal microcephaly autosomal recessive with normal intelligence; Seemanova syndrome 2; Ataxia telangiectasia variant V1; BERLIN BREAKAGE SYNDROME. Identifiers: Orphanet 647, MedGen C0398791, MONDO:0009623, OMIM 251260.

Submission:

Labcorp Genetics (formerly Invitae), Labcorp
Classification: Uncertain significance for Microcephaly, normal intelligence and immunodeficiency. Last evaluated: 2024-06-04. Review status: criteria provided, single submitter. Criteria: Invitae Variant Classification Sherloc (09022015). Collection method: clinical testing. Allele origin: germline.
Comment: This sequence change replaces proline, which is neutral and non-polar, with leucine, which is neutral and non-polar, at codon 199 of the NBN protein (p.Pro199Leu). This variant is not present in population databases (gnomAD no frequency). This missense change has been observed in individual(s) with breast cancer (PMID: 28402931). An algorithm developed to predict the effect of missense changes on protein structure and function (PolyPhen-2) suggests that this variant is likely to be disruptive. In summary, the available evidence is currently insufficient to determine the role of this variant in disease. Therefore, it has been classified as a Variant of Uncertain Significance.

Literature cited by the submitters: PubMed 28402931.